The following is an entry in ClinVar:

ClinVar aggregate classification (germline): Pathogenic (1 of 4 stars; one submission).

Submission:

Labcorp Genetics (formerly Invitae), Labcorp
Classification: Pathogenic. Last evaluated: 2022-09-11. Review status: criteria provided, single submitter. Criteria: Invitae Variant Classification Sherloc (09022015). Collection method: clinical testing. Allele origin: germline.
Comment: This sequence change creates a premature translational stop signal (p.Tyr486Phefs*113) in the LCA5 gene. While this is not anticipated to result in nonsense mediated decay, it is expected to disrupt the last 212 amino acid(s) of the LCA5 protein. This variant is not present in population databases (gnomAD no frequency). This variant has not been reported in the literature in individuals affected with LCA5-related conditions. This variant disrupts a region of the LCA5 protein in which other variant(s) (p.Lys586*) have been determined to be pathogenic (PMID: 23946133, 27624628). This suggests that this is a clinically significant region of the protein, and that variants that disrupt it are likely to be disease-causing. For these reasons, this variant has been classified as Pathogenic.

Literature cited by the submitters: PubMed 23946133; PubMed 27624628.

NM_001122769.3(LCA5):c.1457_1460delinsTTTTTGCCATTGTTTTGCCAT (p.Tyr486fs)

Gene: LCA5 (lebercilin LCA5; minus strand). Cytogenetic location: 6q14.1.
Variant type: Indel.
Coding change: c.1457_1460delinsTTTTTGCCATTGTTTTGCCAT on transcript NM_001122769.3 (MANE Select); coding-DNA positions 1457 to 1460, ACCC replaced by TTTTTGCCATTGTTTTGCCAT.
Protein change: p.Tyr486fs; shifts the reading frame from tyrosine 486.
Molecular consequence: frameshift variant.
Genome position (GRCh38, 1-based): chr6:79,487,638-79,487,641, GGGT replaced by ATGGCAAAACAATGGCAAAAA on the plus strand (ACCC replaced by TTTTTGCCATTGTTTTGCCAT on the coding strand, the reverse complement: LCA5 is on the minus strand). VCF-style: chr6-79487638-GGGT-ATGGCAAAACAATGGCAAAAA. GRCh37 (hg19) VCF-style: chr6-80197355-GGGT-ATGGCAAAACAATGGCAAAAA.
Other names: c.1457_1460delinsTTTTTGCCATTGTTTTGCCAT, p.Tyr486fs (NM_181714.4); short protein forms Y486fs.
Identifiers: ClinVar variation 2030061 (VCV002030061.4), dbSNP rs2533369994, ClinGen allele CA2580075902.